The following is an entry in ClinVar:

NM_025074.7(FRAS1):c.2137+5G>A

Gene: FRAS1 (Fraser extracellular matrix complex subunit 1; plus strand). Cytogenetic location: 4q21.21.
Variant type: single nucleotide variant.
Coding change: c.2137+5G>A on transcript NM_025074.7 (MANE Select); 5 bases into the intron after coding-DNA position 2137, G replaced by A.
Molecular consequence: intron variant.
Genome position (GRCh38, 1-based): chr4:78,318,991, G>A. VCF-style: chr4-78318991-G-A. GRCh37 (hg19) VCF-style: chr4-79240145-G-A.
Other names: c.2137+5G>A (NM_001166133.2).
Identifiers: ClinVar variation 1303307 (VCV001303307.2), dbSNP rs2110237661, ClinGen allele CA2573052354.

ClinVar aggregate classification (germline): Uncertain significance (1 of 4 stars; one submission).

Allele frequency attached by ClinVar (database versions not stated): gnomAD exomes below 0.00001.
gnomAD v4.1: 6 of 1,613,740 alleles (0.00037%); highest among the groups gnomAD compares: Non-Finnish European, 0.00051%; no homozygotes.

Submission:

GeneDx
Classification: Uncertain significance. Last evaluated: 2019-04-18. Review status: criteria provided, single submitter. Criteria: GeneDx Variant Classification Process June 2021. Collection method: clinical testing. Allele origin: germline. Affected: yes.
Comment: Not observed in large population cohorts (Lek et al., 2016); In silico analysis, which includes splice predictors and evolutionary conservation, supports that this variant does not alter protein structure/function; Has not been previously published as pathogenic or benign to our knowledge